The following is an entry in ClinVar:

ClinVar aggregate classification (germline): Pathogenic (0 of 4 stars; one submission).

Conditions:
Dentatorubral-pallidoluysian atrophy (DRPLA). Also called: ATAXIA, CHOREA, SEIZURES, AND DEMENTIA; MYOCLONIC EPILEPSY WITH CHOREOATHETOSIS; HAW RIVER SYNDROME; Naito Oyanagi disease. Identifiers: Orphanet 101, MedGen C0751781, MONDO:0007435, OMIM 125370.

Submission:

GeneReviews
Classification: Pathogenic for DRPLA. Last evaluated: 2010-06-01. Review status: no assertion criteria provided. Collection method: curation. Allele origin: unknown.
ClinVar note: Converted during submission from pathologic to Pathogenic.

NM_001007026.1(ATN1):c.1462CAG[(90_93)] (p.Gln488[(90-93)])

Genes: ATN1 (atrophin 1; plus strand), LOC109461484 (atrophin 1 repeat instability region; plus strand). Cytogenetic location: 12p13.31.
Variant type: Microsatellite.
Identifiers: ClinVar variation 38905 (VCV000038905.4).